The following is an entry in ClinVar:

NC_000007.14:g.(?_107660756)_(107661815_?)del

Gene: SLC26A4 (solute carrier family 26 member 4; plus strand). Cytogenetic location: 7q22.3.
Variant type: Deletion.
Identifiers: ClinVar variation 830830 (VCV000830830.6).

ClinVar aggregate classification (germline): Pathogenic (1 of 4 stars; one submission).

Submission:

Labcorp Genetics (formerly Invitae), Labcorp
Classification: Pathogenic. Last evaluated: 2022-02-01. Review status: criteria provided, single submitter. Criteria: Invitae Variant Classification Sherloc (09022015). Collection method: clinical testing. Allele origin: germline.
Comment: For these reasons, this variant has been classified as Pathogenic. This variant has not been reported in the literature in individuals affected with SLC26A4-related conditions. This variant is a gross deletion of the genomic region encompassing exon(s) 1-2 of the SLC26A4 gene, which includes the initiator codon. This deletion extends beyond the assayed region for this gene and therefore may encompass additional genes. It is expected to result in an absent or disrupted protein product. Loss-of-function variants in SLC26A4 are known to be pathogenic (PMID: 16283880, 25394566, 26252218, 26445815).

Literature cited by the submitters: PubMed 16283880; PubMed 25394566; PubMed 26252218; PubMed 26445815.